The following is an entry in ClinVar:

NM_000416.3(IFNGR1):c.1120A>G (p.Ile374Val)

Gene: IFNGR1 (interferon gamma receptor 1; minus strand). Cytogenetic location: 6q23.3.
Variant type: single nucleotide variant.
Coding change: c.1120A>G on transcript NM_000416.3 (MANE Select); coding-DNA position 1120, A replaced by G.
Protein change: p.Ile374Val; replaces isoleucine 374 with valine.
Molecular consequence: missense variant.
Genome position (GRCh38, 1-based): chr6:137,198,381, T>C on the plus strand (A>G on the coding strand, the complement: IFNGR1 is on the minus strand). VCF-style: chr6-137198381-T-C. GRCh37 (hg19) VCF-style: chr6-137519518-T-C.
Other names: c.1090A>G, p.Ile364Val (NM_001363526.1); c.997A>G, p.Ile333Val (NM_001363527.1); short protein forms I364V, I374V, I333V.
Identifiers: ClinVar variation 907655 (VCV000907655.6), dbSNP rs963564493, ClinGen allele CA148224290.

ClinVar aggregate classification (germline): Uncertain significance. Review status: criteria provided, multiple submitters, no conflicts (2 of 4 stars). 2 submissions from 2 submitters: Uncertain significance (2). Last evaluated 2025-03-30.

Conditions:
Disseminated atypical mycobacterial infection. Identifiers: MedGen C0694566.
Immunodeficiency 27A (IMD27A). Also called: IMMUNODEFICIENCY 27A, MYCOBACTERIOSIS, AUTOSOMAL RECESSIVE; IFNGR1 DEFICIENCY, AUTOSOMAL RECESSIVE. Identifiers: Orphanet 319569, Orphanet 99898, MedGen C4011949, MONDO:0008856, OMIM 209950.

Allele frequency attached by ClinVar (database versions not stated): gnomAD exomes 0.00001 and 0.00002.
gnomAD v4.1: 16 of 1,614,178 alleles (0.00099%); highest among the groups gnomAD compares: Middle Eastern, 0.016%; no homozygotes.

Submissions (2):

Labcorp Genetics (formerly Invitae), Labcorp
Classification: Uncertain significance for Disseminated atypical mycobacterial infection. Last evaluated: 2025-03-30. Review status: criteria provided, single submitter. Criteria: Invitae Variant Classification Sherloc (09022015). Collection method: clinical testing. Allele origin: germline.
Comment: This sequence change replaces isoleucine, which is neutral and non-polar, with valine, which is neutral and non-polar, at codon 374 of the IFNGR1 protein (p.Ile374Val). This variant is present in population databases (no rsID available, gnomAD 0.01%). This variant has not been reported in the literature in individuals affected with IFNGR1-related conditions. ClinVar contains an entry for this variant (Variation ID: 907655). Invitae Evidence Modeling of protein sequence and biophysical properties (such as structural, functional, and spatial information, amino acid conservation, physicochemical variation, residue mobility, and thermodynamic stability) indicates that this missense variant is not expected to disrupt IFNGR1 protein function with a negative predictive value of 80%. In summary, the available evidence is currently insufficient to determine the role of this variant in disease. Therefore, it has been classified as a Variant of Uncertain Significance.

Illumina Laboratory Services, Illumina
Classification: Uncertain significance for Immunodeficiency 27A. Last evaluated: 2018-01-13. Review status: criteria provided, single submitter. Criteria: ICSL Variant Classification Criteria 13 December 2019. Collection method: clinical testing. Allele origin: germline.